The following is an entry in ClinVar:

NM_020949.3(SLC7A14):c.691G>T (p.Ala231Ser)

Genes: SLC7A14 (solute carrier family 7 member 14; minus strand), SLC7A14-AS1 (SLC7A14 antisense RNA 1; plus strand). Cytogenetic location: 3q26.2.
Variant type: single nucleotide variant.
Coding change: c.691G>T on transcript NM_020949.3 (MANE Select); coding-DNA position 691, G replaced by T.
Protein change: p.Ala231Ser; replaces alanine 231 with serine.
Molecular consequence: missense variant.
Genome position (GRCh38, 1-based): chr3:170,498,735, C>A on the plus strand (G>T on the coding strand, the complement: SLC7A14 is on the minus strand). VCF-style: chr3-170498735-C-A. GRCh37 (hg19) VCF-style: chr3-170216524-C-A.
Other names: short protein forms A231S.
Identifiers: ClinVar variation 1489115 (VCV001489115.7), dbSNP rs146144886, ClinGen allele CA2701855.

ClinVar aggregate classification (germline): Uncertain significance. Review status: criteria provided, multiple submitters, no conflicts (2 of 4 stars). 2 submissions from 2 submitters: Uncertain significance (2). Last evaluated 2022-11-01.

gnomAD v4.1: 18 of 1,614,014 alleles (0.0011%); highest among the groups gnomAD compares: African/African-American, 0.017%; no homozygotes.

Submissions (2):

Labcorp Genetics (formerly Invitae), Labcorp
Classification: Uncertain significance. Last evaluated: 2022-11-01. Review status: criteria provided, single submitter. Criteria: Invitae Variant Classification Sherloc (09022015). Collection method: clinical testing. Allele origin: germline.
Comment: Algorithms developed to predict the effect of missense changes on protein structure and function are either unavailable or do not agree on the potential impact of this missense change (SIFT: "Tolerated"; PolyPhen-2: "Probably Damaging"; Align-GVGD: "Class C0"). This sequence change replaces alanine, which is neutral and non-polar, with serine, which is neutral and polar, at codon 231 of the SLC7A14 protein (p.Ala231Ser). This variant is present in population databases (rs146144886, gnomAD 0.02%). This variant has not been reported in the literature in individuals affected with SLC7A14-related conditions. ClinVar contains an entry for this variant (Variation ID: 1489115). In summary, the available evidence is currently insufficient to determine the role of this variant in disease. Therefore, it has been classified as a Variant of Uncertain Significance.

Blueprint Genetics
Classification: Uncertain significance. Last evaluated: 2021-09-06. Review status: criteria provided, single submitter. Criteria: ACMG Guidelines, 2015. Collection method: clinical testing. Allele origin: germline.